The following is an entry in ClinVar:

NM_001148.6(ANK2):c.10395G>A (p.Glu3465=)

Gene: ANK2 (ankyrin 2; plus strand). Cytogenetic location: 4q26.
Variant type: single nucleotide variant.
Coding change: c.10395G>A on transcript NM_001148.6 (MANE Select); coding-DNA position 10395, G replaced by A.
Protein change: p.Glu3465=; no amino-acid change (glutamic acid 3465 retained).
Molecular consequence: synonymous variant. On other transcripts: intron variant (68).
Genome position (GRCh38, 1-based): chr4:113,359,013, G>A. VCF-style: chr4-113359013-G-A. GRCh37 (hg19) VCF-style: chr4-114280169-G-A.
Other names: c.10161G>A, p.Glu3387= (NM_001386142.1); c.6795G>A, p.Glu2265= (NM_001386166.1); c.10536G>A, p.Glu3512= (NM_001386174.1); c.10512G>A, p.Glu3504= (NM_001386175.1); c.4412-1810G>A (NM_001386186.2, NM_001386148.2); c.4214-1810G>A (NM_001354269.3); c.4292-1810G>A (NM_001386187.2); c.4253-1810G>A (NM_001386147.1); and 36 more.
Identifiers: ClinVar variation 220622 (VCV000220622.66), dbSNP rs147423696, ClinGen allele CA348946.

ClinVar aggregate classification (germline): Benign/Likely benign. Review status: criteria provided, multiple submitters, no conflicts (2 of 4 stars). 12 submissions from 12 submitters: Benign (6); Likely benign (3). 3 of the submissions do not count toward it. Last evaluated 2026-05-01.

Conditions:
Cardiovascular phenotype. Identifiers: MedGen CN230736.
ANK2-related disorder. Also called: ANK2-related condition.
Long QT syndrome (LQTS). Identifiers: MedGen C0023976, MeSH D008133, MONDO:0002442. Disease mechanism: loss of function. Inheritance: Various modes of inheritance.
Cardiac arrhythmia, ankyrin-B-related. Also called: ANKYRIN-B SYNDROME. Identifiers: Orphanet 101016, Orphanet 768, MedGen C1970119, MONDO:0010958, OMIM 600919.

Allele frequency attached by ClinVar (database versions not stated): 1000 Genomes Project 30x 0.00031; 1000 Genomes Project 0.00040; ExAC 0.00181; gnomAD exomes 0.00214 and 0.00445; TOPMed 0.00262; gnomAD 0.00264 and 0.00282; ESP Exome Variant Server 0.00300.
gnomAD v4.1: 6,747 of 1,614,104 alleles (0.42%); highest among the groups gnomAD compares: Non-Finnish European, 0.55%; 28 homozygotes.

Submissions (12):

CeGaT Center for Human Genetics Tuebingen
Classification: Benign. Last evaluated: 2026-05-01. Review status: criteria provided, single submitter. Criteria: CeGaT Center For Human Genetics Tuebingen Variant Classification Criteria Version 2. Collection method: clinical testing. Allele origin: germline. Affected: yes. Observed: 8 variant alleles.
Comment: ANK2: BP4, BP7, BS1, BS2

Labcorp Genetics (formerly Invitae), Labcorp
Classification: Benign for Long QT syndrome. Last evaluated: 2026-02-03. Review status: criteria provided, single submitter. Criteria: Invitae Variant Classification Sherloc (09022015). Collection method: clinical testing. Allele origin: germline.

Molecular Diagnostic Laboratory for Inherited Cardiovascular Disease, Montreal Heart Institute
Classification: Benign. Last evaluated: 2025-04-09. Review status: criteria provided, single submitter. Criteria: ACMG Guidelines, 2015. Collection method: clinical testing. Allele origin: germline. Affected: no.

Blueprint Genetics
Classification: Likely benign. Last evaluated: 2024-11-24. Review status: criteria provided, single submitter. Criteria: ACMG Guidelines, 2015. Collection method: clinical testing. Allele origin: germline.

ARUP Laboratories, Molecular Genetics and Genomics, ARUP Laboratories
Classification: Benign. Last evaluated: 2023-11-09. Review status: criteria provided, single submitter. Criteria: ARUP Molecular Germline Variant Investigation Process 2024. Collection method: clinical testing. Allele origin: germline.

Genome-Nilou Lab
Classification: Benign for Cardiac arrhythmia, ankyrin-B-related. Last evaluated: 2021-12-05. Review status: criteria provided, single submitter. Criteria: ACMG Guidelines, 2015. Collection method: clinical testing. Allele origin: germline. Affected: no.

Illumina Laboratory Services, Illumina
Classification: Likely benign for Cardiac arrhythmia, ankyrin-B-related. Last evaluated: 2018-01-13. Review status: criteria provided, single submitter. Criteria: ICSL Variant Classification Criteria 13 December 2019. Collection method: clinical testing. Allele origin: germline.
Comment: This variant was observed in the ICSL laboratory as part of a predisposition screen in an ostensibly healthy population. It had not been previously curated by ICSL or reported in the Human Gene Mutation Database (HGMD: prior to June 1st, 2018), and was therefore a candidate for classification through an automated scoring system. Utilizing variant allele frequency, disease prevalence and penetrance estimates, and inheritance mode, an automated score was calculated to assess if this variant is too frequent to cause the disease. Based on the score and internal cut-off values, a variant classified as likely benign is not then subjected to further curation. The score for this variant resulted in a classification of likely benign for this disease.

Ambry Genetics
Classification: Likely benign for Cardiovascular phenotype. Last evaluated: 2015-08-10. Review status: criteria provided, single submitter. Criteria: Ambry Variant Classification Scheme 2023. Collection method: clinical testing. Allele origin: germline.

GeneDx
Classification: Benign. Last evaluated: 2015-03-03. Review status: criteria provided, single submitter. Criteria: GeneDx Variant Classification Process June 2021. Collection method: clinical testing. Allele origin: germline. Affected: yes.

PreventionGenetics, part of Exact Sciences
Classification: Benign for ANK2-related condition. Last evaluated: 2019-10-22. Review status: no assertion criteria provided. Collection method: clinical testing. Allele origin: germline. Not counted in ClinVar's aggregate classification.
Comment: This variant is classified as benign based on ACMG/AMP sequence variant interpretation guidelines (Richards et al. 2015 PMID: 25741868, with internal and published modifications).

Clinical Genetics, Academic Medical Center
Classification: Benign. Review status: no assertion criteria provided. Collection method: clinical testing. Allele origin: germline. Affected: yes. Study: VKGL Data-share Consensus. Not counted in ClinVar's aggregate classification.

Joint Genome Diagnostic Labs from Nijmegen and Maastricht, Radboudumc and MUMC+
Classification: Likely benign. Review status: no assertion criteria provided. Collection method: clinical testing. Allele origin: germline. Affected: yes. Study: VKGL Data-share Consensus. Not counted in ClinVar's aggregate classification.